The following is an entry in ClinVar:

NM_001290060.2(SEMA3B):c.241G>A (p.Asp81Asn)

Gene: SEMA3B (semaphorin 3B; plus strand). Cytogenetic location: 3p21.31.
Variant type: single nucleotide variant.
Coding change: c.241G>A on transcript NM_001290060.2 (MANE Select); coding-DNA position 241, G replaced by A.
Protein change: p.Asp81Asn; replaces aspartic acid 81 with asparagine.
Molecular consequence: missense variant.
Genome position (GRCh38, 1-based): chr3:50,270,258, G>A. VCF-style: chr3-50270258-G-A. GRCh37 (hg19) VCF-style: chr3-50307689-G-A.
Other names: c.241G>A, p.Asp81Asn (NM_001005914.3, NM_001290061.1, NM_001435956.1 and 3 more transcripts); short protein forms D81N.
Identifiers: ClinVar variation 4984679 (VCV004984679.1).

ClinVar aggregate classification (germline): Uncertain significance (1 of 4 stars; one submission).

Conditions:
SEMA3B-related disorder. Also called: SEMA3B-related condition.

Submission:

PreventionGenetics, part of Exact Sciences
Classification: Uncertain significance for SEMA3B-related condition. Last evaluated: 2026-06-08. Review status: criteria provided, single submitter. Criteria: ACMG Guidelines, 2015. Collection method: clinical testing. Allele origin: germline.
Comment: The SEMA3B c.241G>A variant is predicted to result in the amino acid substitution p.Asp81Asn. To our knowledge, this variant has not been reported in the literature or in a large population database (gnomAD), indicating this variant is rare. At this time, the clinical significance of this variant is uncertain due to the absence of conclusive functional and genetic evidence.